The following is an entry in ClinVar:

NM_000277.3(PAH):c.1184C>A (p.Ala395Asp)

Gene: PAH (phenylalanine hydroxylase; minus strand). Cytogenetic location: 12q23.2.
Variant type: single nucleotide variant.
Coding change: c.1184C>A on transcript NM_000277.3 (MANE Select); coding-DNA position 1184, C replaced by A.
Protein change: p.Ala395Asp; replaces alanine 395 with aspartic acid.
Molecular consequence: missense variant.
Genome position (GRCh38, 1-based): chr12:102,843,661, G>T on the plus strand (C>A on the coding strand, the complement: PAH is on the minus strand). VCF-style: chr12-102843661-G-T. GRCh37 (hg19) VCF-style: chr12-103237439-G-T.
Other names: NM_000277.1(PAH):c.1184C>A; p.Ala395Asp; c.1184C>A, p.Ala395Asp (NM_001354304.2); short protein forms A395D.
Identifiers: ClinVar variation 102548 (VCV000102548.2), dbSNP rs62508736, ClinGen allele CA229374.

ClinVar aggregate classification (germline): Likely pathogenic. Review status: reviewed by expert panel (3 of 4 stars). 2 submissions from 2 submitters: Likely pathogenic (1). 1 of the submissions does not count toward it. Last evaluated 2022-07-30.

Conditions:
Phenylketonuria (PKU). Also called: Phenylketonuria (PKU); FOLLING DISEASE; OLIGOPHRENIA PHENYLPYRUVICA; Phenylketonurias. Identifiers: Orphanet 716, MedGen C0031485, MONDO:0009861, OMIM 261600. Disease mechanism: loss of function.

Submissions (2):

ClinGen PAH Variant Curation Expert Panel
Classification: Likely pathogenic for Phenylketonuria. Last evaluated: 2022-07-30. Review status: reviewed by expert panel. Criteria: ClinGen PAH ACMG Specifications v1. Collection method: curation. Allele origin: germline. Inheritance: Autosomal recessive inheritance.
Comment: This c.1184C>A (p.Ala395Asp) variant in PAH was reported in 1 patient with PAH deficiency (>1200 umol/L Phe) (PMID 16256386). This variant was found at an amino acid residue where p.Ala395Pro, a pathogenic missense variant has been seen before. Computational evidence for this missense variant is predicted to be damaging (SIFT), probably damaging (PolyPhen2), and disease-causing (MutationTaster). This variant is absent from population databases ExAC, gnomAD, 1000 Genomes, and ESP. In summary, this variant meets criteria to be classified as likely pathogenic for PAH. PAH-specific ACMG/AMP criteria applied: PM2, PM5, PP3, PP4

DeBelle Laboratory for Biochemical Genetics, MUHC/MCH RESEARCH INSTITUTE
No classification provided. Review status: no classification provided. Collection method: not provided. Allele origin: not provided. Not counted in ClinVar's aggregate classification.

Literature cited by the submitters: PubMed 16256386 (cited by ClinGen PAH Variant Curation Expert Panel).